The following is an entry in ClinVar:

ClinVar aggregate classification (germline): Uncertain significance (1 of 4 stars; one submission).

Conditions:
ALG12-congenital disorder of glycosylation (CDG1G). Also called: ALG12-CDG; CDG Ig; Congenital disorder of glycosylation, type Ig. Identifiers: Orphanet 79324, MedGen C2931001, MONDO:0011783, OMIM 607143.

Allele frequency attached by ClinVar (database versions not stated): TOPMed below 0.00001; gnomAD exomes 0.00001.
gnomAD v4.1: 3 of 1,613,946 alleles (0.00019%); highest among the groups gnomAD compares: Non-Finnish European, 0.00025%; no homozygotes.

Submission:

Labcorp Genetics (formerly Invitae), Labcorp
Classification: Uncertain significance for ALG12-congenital disorder of glycosylation. Last evaluated: 2022-05-12. Review status: criteria provided, single submitter. Criteria: Invitae Variant Classification Sherloc (09022015). Collection method: clinical testing. Allele origin: germline.
Comment: This variant has not been reported in the literature in individuals affected with ALG12-related conditions. In summary, the available evidence is currently insufficient to determine the role of this variant in disease. Therefore, it has been classified as a Variant of Uncertain Significance. Algorithms developed to predict the effect of missense changes on protein structure and function are either unavailable or do not agree on the potential impact of this missense change (SIFT: "Tolerated"; PolyPhen-2: "Probably Damaging"; Align-GVGD: "Class C0"). This variant is present in population databases (no rsID available, gnomAD 0.0009%). This sequence change replaces proline, which is neutral and non-polar, with leucine, which is neutral and non-polar, at codon 280 of the ALG12 protein (p.Pro280Leu).

NM_024105.4(ALG12):c.839C>T (p.Pro280Leu)

Gene: ALG12 (ALG12 alpha-1,6-mannosyltransferase; minus strand). Cytogenetic location: 22q13.33.
Variant type: single nucleotide variant.
Coding change: c.839C>T on transcript NM_024105.4 (MANE Select); coding-DNA position 839, C replaced by T.
Protein change: p.Pro280Leu; replaces proline 280 with leucine.
Molecular consequence: missense variant.
Genome position (GRCh38, 1-based): chr22:49,907,874, G>A on the plus strand (C>T on the coding strand, the complement: ALG12 is on the minus strand). VCF-style: chr22-49907874-G-A. GRCh37 (hg19) VCF-style: chr22-50301522-G-A.
Other names: short protein forms P280L.
Identifiers: ClinVar variation 1993443 (VCV001993443.4), dbSNP rs1453057086, ClinGen allele CA412073785.